The following is an entry in ClinVar:

ClinVar aggregate classification (germline): Uncertain significance. Review status: criteria provided, multiple submitters, no conflicts (2 of 4 stars). 4 submissions from 4 submitters: Uncertain significance (4). Last evaluated 2025-08-08.

Conditions:
Inborn genetic diseases. Identifiers: MedGen C0950123, MeSH D030342.
Early-onset Parkinson disease 20. Also called: PARKINSON DISEASE 20, AUTOSOMAL RECESSIVE EARLY-ONSET. Identifiers: Orphanet 391411, MedGen C3809824, MONDO:0014233, OMIM 615530.
Developmental and epileptic encephalopathy, 53. Also called: Epileptic encephalopathy, early infantile, 53. Identifiers: MedGen C4479313, MONDO:0033362, OMIM 617389.

Allele frequency attached by ClinVar (database versions not stated): ESP Exome Variant Server 0.00015; TOPMed 0.00005; gnomAD 0.00006 and 0.00007; gnomAD exomes 0.00007 and 0.00010; ExAC 0.00009.
gnomAD v4.1: 161 of 1,605,498 alleles (0.01%); highest among the groups gnomAD compares: Non-Finnish European, 0.012%; no homozygotes.

Submissions (4):

Ambry Genetics
Classification: Uncertain significance for Inborn genetic diseases. Last evaluated: 2025-08-08. Review status: criteria provided, single submitter. Criteria: Ambry Variant Classification Scheme 2023. Collection method: clinical testing. Allele origin: germline.

CeGaT Center for Human Genetics Tuebingen
Classification: Uncertain significance. Last evaluated: 2024-08-01. Review status: criteria provided, single submitter. Criteria: CeGaT Center For Human Genetics Tuebingen Variant Classification Criteria Version 2. Collection method: clinical testing. Allele origin: germline. Affected: yes. Observed: 1 variant allele.
Comment: SYNJ1: PM2, BP4

Blueprint Genetics
Classification: Uncertain significance. Last evaluated: 2023-10-20. Review status: criteria provided, single submitter. Criteria: ACMG Guidelines, 2015. Collection method: clinical testing. Allele origin: germline.

Labcorp Genetics (formerly Invitae), Labcorp
Classification: Uncertain significance for Developmental and epileptic encephalopathy, 53; Early-onset Parkinson disease 20. Last evaluated: 2022-08-16. Review status: criteria provided, single submitter. Criteria: Invitae Variant Classification Sherloc (09022015). Collection method: clinical testing. Allele origin: germline.
Comment: This sequence change replaces serine, which is neutral and polar, with asparagine, which is neutral and polar, at codon 408 of the SYNJ1 protein (p.Ser408Asn). This variant is present in population databases (rs147544792, gnomAD 0.01%). This variant has not been reported in the literature in individuals affected with SYNJ1-related conditions. ClinVar contains an entry for this variant (Variation ID: 582650). Algorithms developed to predict the effect of missense changes on protein structure and function output the following: SIFT: "Tolerated"; PolyPhen-2: "Benign"; Align-GVGD: "Class C0". The asparagine amino acid residue is found in multiple mammalian species, which suggests that this missense change does not adversely affect protein function. In summary, the available evidence is currently insufficient to determine the role of this variant in disease. Therefore, it has been classified as a Variant of Uncertain Significance.

NM_203446.3(SYNJ1):c.1106G>A (p.Ser369Asn)

Gene: SYNJ1 (synaptojanin 1; minus strand). Cytogenetic location: 21q22.11.
Variant type: single nucleotide variant.
Coding change: c.1106G>A on transcript NM_203446.3 (MANE Select); coding-DNA position 1106, G replaced by A.
Protein change: p.Ser369Asn; replaces serine 369 with asparagine.
Molecular consequence: missense variant.
Genome position (GRCh38, 1-based): chr21:32,685,760, C>T on the plus strand (G>A on the coding strand, the complement: SYNJ1 is on the minus strand). VCF-style: chr21-32685760-C-T. GRCh37 (hg19) VCF-style: chr21-34058070-C-T.
Other names: c.1106G>A, p.Ser369Asn (NM_001160302.2, NM_001160306.2); c.1223G>A, p.Ser408Asn (NM_003895.4); short protein forms S408N, S369N.
Identifiers: ClinVar variation 582650 (VCV000582650.33), dbSNP rs147544792, ClinGen allele CA10003972.